The following is an entry in ClinVar:

ClinVar aggregate classification (germline): Conflicting classifications of pathogenicity. Review status: criteria provided, conflicting classifications (1 of 4 stars). 2 submissions from 2 submitters: Uncertain significance (1); Likely benign (1). Last evaluated 2026-08-26.

Conditions:
Cardiovascular phenotype. Identifiers: MedGen CN230736.

Allele frequency attached by ClinVar (database versions not stated): gnomAD 0.00002; gnomAD exomes below 0.00001; ExAC 0.00001; TOPMed 0.00012; ESP Exome Variant Server 0.00009.

Submissions (2):

Ambry Genetics
Classification: Likely benign for Cardiovascular phenotype. Last evaluated: 2026-08-26. Review status: criteria provided, single submitter. Criteria: Ambry Variant Classification Scheme 2023. Collection method: clinical testing. Allele origin: germline.

Labcorp Genetics (formerly Invitae), Labcorp
Classification: Uncertain significance. Last evaluated: 2026-01-04. Review status: criteria provided, single submitter. Criteria: Invitae Variant Classification Sherloc (09022015). Collection method: clinical testing. Allele origin: germline.
Comment: This sequence change replaces alanine, which is neutral and non-polar, with serine, which is neutral and polar, at codon 41 of the BGN protein (p.Ala41Ser). The frequency data for this variant in the population databases is considered unreliable, as metrics indicate poor data quality at this position in the gnomAD database. This variant has not been reported in the literature in individuals affected with BGN-related conditions. ClinVar contains an entry for this variant (Variation ID: 1901665). An algorithm developed to predict the effect of missense changes on protein structure and function (PolyPhen-2) suggests that this variant is likely to be tolerated. In summary, the available evidence is currently insufficient to determine the role of this variant in disease. Therefore, it has been classified as a Variant of Uncertain Significance.

NM_001711.6(BGN):c.121G>T (p.Ala41Ser)

Gene: BGN (biglycan; plus strand). Cytogenetic location: Xq28.
Variant type: single nucleotide variant.
Coding change: c.121G>T on transcript NM_001711.6 (MANE Select); coding-DNA position 121, G replaced by T.
Protein change: p.Ala41Ser; replaces alanine 41 with serine.
Molecular consequence: missense variant.
Genome position (GRCh38, 1-based): chrX:153,504,752, G>T. VCF-style: chrX-153504752-G-T. GRCh37 (hg19) VCF-style: chrX-152770210-G-T.
Other names: c.121G>T (NM_001711.4); short protein forms A41S.
Identifiers: ClinVar variation 1901665 (VCV001901665.9), dbSNP rs148867138, ClinGen allele CA10547127.